The following is an entry in ClinVar:

NM_001127208.3(TET2):c.2645G>A (p.Cys882Tyr)

Genes: TET2 (tet methylcytosine dioxygenase 2; plus strand), TET2-AS1 (TET2 antisense RNA 1; minus strand). Cytogenetic location: 4q24.
Variant type: single nucleotide variant.
Coding change: c.2645G>A on transcript NM_001127208.3 (MANE Select); coding-DNA position 2645, G replaced by A.
Protein change: p.Cys882Tyr; replaces cysteine 882 with tyrosine.
Molecular consequence: missense variant.
Genome position (GRCh38, 1-based): chr4:105,236,587, G>A. VCF-style: chr4-105236587-G-A. GRCh37 (hg19) VCF-style: chr4-106157744-G-A.
Other names: c.2645G>A, p.Cys882Tyr (NM_017628.4); short protein forms C882Y.
Identifiers: ClinVar variation 1961748 (VCV001961748.5), dbSNP rs745318734, ClinGen allele CA3031919.

ClinVar aggregate classification (germline): Uncertain significance (1 of 4 stars; one submission).

Allele frequency attached by ClinVar (database versions not stated): gnomAD exomes below 0.00001; TOPMed below 0.00001; ExAC 0.00001; gnomAD 0.00001.
gnomAD v4.1: 5 of 1,613,948 alleles (0.00031%); highest among the groups gnomAD compares: Non-Finnish European, 0.00025%; no homozygotes.

Submission:

Labcorp Genetics (formerly Invitae), Labcorp
Classification: Uncertain significance. Last evaluated: 2022-09-10. Review status: criteria provided, single submitter. Criteria: Invitae Variant Classification Sherloc (09022015). Collection method: clinical testing. Allele origin: germline.
Comment: This sequence change replaces cysteine, which is neutral and slightly polar, with tyrosine, which is neutral and polar, at codon 882 of the TET2 protein (p.Cys882Tyr). In summary, the available evidence is currently insufficient to determine the role of this variant in disease. Therefore, it has been classified as a Variant of Uncertain Significance. Algorithms developed to predict the effect of missense changes on protein structure and function are either unavailable or do not agree on the potential impact of this missense change (SIFT: "Deleterious"; PolyPhen-2: "Probably Damaging"; Align-GVGD: "Class C0"). This variant has not been reported in the literature in individuals affected with TET2-related conditions. This variant is present in population databases (rs745318734, gnomAD 0.002%).